The following is an entry in ClinVar:

NM_007186.6(CEP250):c.5849A>T (p.Gln1950Leu)

Gene: CEP250 (centrosomal protein 250; plus strand). Cytogenetic location: 20q11.22.
Variant type: single nucleotide variant.
Coding change: c.5849A>T on transcript NM_007186.6 (MANE Select); coding-DNA position 5849, A replaced by T.
Protein change: p.Gln1950Leu; replaces glutamine 1950 with leucine.
Molecular consequence: missense variant.
Genome position (GRCh38, 1-based): chr20:35,504,218, A>T. VCF-style: chr20-35504218-A-T. GRCh37 (hg19) VCF-style: chr20-34092046-A-T.
Other names: c.3953A>T, p.Gln1318Leu (NM_001318219.1); short protein forms Q1950L, Q1318L.
Identifiers: ClinVar variation 2069736 (VCV002069736.4), dbSNP rs754265215, ClinGen allele CA408754926.

ClinVar aggregate classification (germline): Uncertain significance (1 of 4 stars; one submission).

Allele frequency attached by ClinVar (database versions not stated): TOPMed 0.00002.

Submission:

Labcorp Genetics (formerly Invitae), Labcorp
Classification: Uncertain significance. Last evaluated: 2022-07-03. Review status: criteria provided, single submitter. Criteria: Invitae Variant Classification Sherloc (09022015). Collection method: clinical testing. Allele origin: germline.
Comment: In summary, the available evidence is currently insufficient to determine the role of this variant in disease. Therefore, it has been classified as a Variant of Uncertain Significance. Algorithms developed to predict the effect of missense changes on protein structure and function are either unavailable or do not agree on the potential impact of this missense change (SIFT: "Not Available"; PolyPhen-2: "Benign"; Align-GVGD: "Not Available"). This variant has not been reported in the literature in individuals affected with CEP250-related conditions. This variant is not present in population databases (gnomAD no frequency). This sequence change replaces glutamine, which is neutral and polar, with leucine, which is neutral and non-polar, at codon 1950 of the CEP250 protein (p.Gln1950Leu).